The following is an entry in ClinVar:

ClinVar aggregate classification (germline): Conflicting classifications of pathogenicity. Review status: criteria provided, conflicting classifications (1 of 4 stars). 4 submissions from 4 submitters: Uncertain significance (3); Likely benign (1). Last evaluated 2023-03-23.

Conditions:
Hereditary cancer-predisposing syndrome. Also called: Neoplastic Syndromes, Hereditary; Tumor predisposition; Hereditary Cancer Syndrome; Hereditary neoplastic syndrome. Identifiers: Orphanet 140162, MedGen C0027672, MeSH D009386, MONDO:0015356.
Hereditary breast ovarian cancer syndrome. Also called: Hereditary breast and ovarian cancer; Hereditary breast and/or ovarian cancer syndrome; BRCA1- and BRCA2-Associated Hereditary Breast and Ovarian Cancer; Hereditary breast and ovarian cancer syndrome (HBOC); Hereditary breast and ovarian cancer syndrome; Breast and ovarian cancer. Identifiers: Orphanet 145, MedGen C0677776, MeSH D061325, MONDO:0003582. Disease mechanism: loss of function.

Submissions (4):

University of Washington Department of Laboratory Medicine, University of Washington
Classification: Likely benign for Hereditary cancer-predisposing syndrome. Last evaluated: 2023-03-23. Review status: criteria provided, single submitter. Criteria: Dines et al. (Genet Med. 2020). Collection method: curation. Allele origin: germline.
Comment: Missense variant in a coldspot region where missense variants are very unlikely to be pathogenic (PMID:31911673).

BRCA1 coldspot (exon 11 using historical exon numbering). Reclassification based on statistical prior probability

Sema4
Classification: Uncertain significance for Hereditary cancer-predisposing syndrome. Last evaluated: 2022-03-06. Review status: criteria provided, single submitter. Criteria: Sema4 Curation Guidelines. Collection method: curation. Allele origin: germline.
Comment: The BRCA1 c.2410C>G (p.Q804E) variant has been reported in heterozygosity in at least one individual with ovarian cancer (PMID: 11733976). It is also known as 2529C>G in the literature. This variant was not observed in the large and broad cohorts of the Genome Aggregation Database. The variant has been reported in ClinVar (Variation ID 186730). Functional studies have not been performed, and in silico predictions of the variant's effect on protein function are inconclusive. The evidence is insufficient to meet ACMG/AMP criteria for classifying the variant as benign or pathogenic. Thus, the clinical significance of this variant is currently uncertain.

Labcorp Genetics (formerly Invitae), Labcorp
Classification: Uncertain significance for Hereditary breast ovarian cancer syndrome. Last evaluated: 2020-01-10. Review status: criteria provided, single submitter. Criteria: Invitae Variant Classification Sherloc (09022015). Collection method: clinical testing. Allele origin: germline.
Comment: This variant is not present in population databases (ExAC no frequency). In summary, the available evidence is currently insufficient to determine the role of this variant in disease. Therefore, it has been classified as a Variant of Uncertain Significance. Algorithms developed to predict the effect of missense changes on protein structure and function output the following: SIFT: "Tolerated"; PolyPhen-2: "Benign"; Align-GVGD: "Class C0". The glutamic acid amino acid residue is found in multiple mammalian species, suggesting that this missense change does not adversely affect protein function. These predictions have not been confirmed by published functional studies and their clinical significance is uncertain. This variant has been observed in an individual with ovarian cancer (PMID: 11733976). However, in that individual a pathogenic allele was also identified in BRCA1, which suggests that this c.2410C>G variant was not the primary cause of disease. This variant is also known as c.2429C>G in the literature. ClinVar contains an entry for this variant (Variation ID: 186730). This sequence change replaces glutamine with glutamic acid at codon 804 of the BRCA1 protein (p.Gln804Glu). The glutamine residue is moderately conserved and there is a small physicochemical difference between glutamine and glutamic acid.

Ambry Genetics
Classification: Uncertain significance for Hereditary cancer-predisposing syndrome. Last evaluated: 2014-11-05. Review status: criteria provided, single submitter. Criteria: Ambry Autosomal Dominant and X-Linked criteria (10/2015). Collection method: clinical testing. Allele origin: germline. Observed: 1 variant allele.
Comment: The p.Q804E variant (also known as c.2410C>G or 2529C>G), located in coding exon 9 of the BRCA1 gene, results from a C to G substitution at nucleotide position 2410. The glutamine at codon 804 is replaced by glutamic acid, an amino acid with highly similar properties. This variant was not reported in population based cohorts in the following databases: Database of Single Nucleotide Polymorphisms (dbSNP), NHLBI Exome Sequencing Project (ESP), and 1000 Genomes Project. In the ESP, this variant was not observed in 6503 samples (13006 alleles) with coverage at this position.<span style="background-color: initial;">To date, this alteration has been detected with an allele frequency of approximately 0.002% (greater than 64000 alleles tested) in our clinical cohort.<span style="background-color: initial;">This amino acid position is not well conserved in available vertebrate species. In addition, this alteration is predicted to be tolerated by in silico analysis.<span style="background-color: initial;">Since supporting evidence is limited at this time, the clinical significance of p.Q804E remains unclear

Literature cited by the submitters: PubMed 11733976 (cited by Sema4 and Labcorp Genetics (formerly Invitae), Labcorp).

NM_007294.4(BRCA1):c.2410C>G (p.Gln804Glu)

Gene: BRCA1 (BRCA1 DNA repair associated; minus strand). Cytogenetic location: 17q21.31.
Variant type: single nucleotide variant.
Coding change: c.2410C>G on transcript NM_007294.4 (MANE Select); coding-DNA position 2410, C replaced by G.
Protein change: p.Gln804Glu; replaces glutamine 804 with glutamic acid.
Molecular consequence: missense variant. On other transcripts: intron variant (137).
Genome position (GRCh38, 1-based): chr17:43,093,121, G>C on the plus strand (C>G on the coding strand, the complement: BRCA1 is on the minus strand). VCF-style: chr17-43093121-G-C. GRCh37 (hg19) VCF-style: chr17-41245138-G-C.
Other names: c.787+1623C>G (NM_001407971.1, NM_001407981.1, NM_007298.4 and 17 more transcripts); c.790+1620C>G (NM_001408406.1); c.646+1623C>G (NM_001408456.1, NM_001408410.1, NM_001408458.1 and 11 more transcripts); c.643+1623C>G (NM_001408465.1, NM_001408463.1, NM_001408462.1 and 3 more transcripts); c.577+1623C>G (NM_001408482.1, NM_001408484.1, NM_001408478.1 and 9 more transcripts); c.520+1623C>G (NM_001408504.1, NM_001408503.1, NM_001408505.1); c.523+1623C>G (NM_001408499.1, NM_001408498.1, NM_001408501.1 and 3 more transcripts); c.671-2089C>G (NM_001408422.1, NM_001408418.1, NM_001408423.1 and 2 more transcripts); and 41 more; short protein forms Q804E, Q757E, Q777E, Q508E, Q636E, Q676E, Q693E, Q716E.
Identifiers: ClinVar variation 186730 (VCV000186730.23), dbSNP rs80356982, ClinGen allele CA001602.